The following is an entry in ClinVar:

ClinVar aggregate classification (germline): Likely benign (1 of 4 stars; one submission).

Allele frequency attached by ClinVar (database versions not stated): gnomAD exomes below 0.00001.
gnomAD v4.1: 1 of 1,614,066 alleles (0.000062%); highest among the groups gnomAD compares: Middle Eastern, 0.016%; no homozygotes.

Submission:

CeGaT Center for Human Genetics Tuebingen
Classification: Likely benign. Last evaluated: 2023-01-01. Review status: criteria provided, single submitter. Criteria: CeGaT Center For Human Genetics Tuebingen Variant Classification Criteria Version 2. Collection method: clinical testing. Allele origin: germline. Affected: yes. Observed: 1 variant allele.
Comment: RPGRIP1: PM2:Supporting, BP4, BP7

NM_020366.4(RPGRIP1):c.2040C>T (p.Ser680=)

Gene: RPGRIP1 (RPGR interacting protein 1; plus strand). Cytogenetic location: 14q11.2.
Variant type: single nucleotide variant.
Coding change: c.2040C>T on transcript NM_020366.4 (MANE Select); coding-DNA position 2040, C replaced by T.
Protein change: p.Ser680=; no amino-acid change (serine 680 retained).
Molecular consequence: synonymous variant. On other transcripts: intron variant (4).
Genome position (GRCh38, 1-based): chr14:21,324,895, C>T. VCF-style: chr14-21324895-C-T. GRCh37 (hg19) VCF-style: chr14-21793054-C-T.
Other names: c.966C>T, p.Ser322= (NM_001377948.1); c.796+170C>T (NM_001377949.1); c.689-2728C>T (NM_001377523.1, NM_001377950.1); c.191-2728C>T (NM_001377951.1).
Identifiers: ClinVar variation 2644059 (VCV002644059.24), dbSNP rs2502812683, ClinGen allele CA484986361.
Genomic context (GRCh38, chr14:21,324,895, plus strand): 5'-CTTTGAAACCCACTGTACCCCATTATCTGTGGGGCCACAGCCCCTCTATGACTTCACCTC[C>T]CAGTATGTGATGGAGACAGATTCGCTTTTCTTACACTACCTTCAAGAGGCTTCAGCCCGG-3'
Protein context (NP_065099.3, residues 670-690): VGPQPLYDFT[Ser680=]QYVMETDSLF